The following is an entry in ClinVar:

ClinVar aggregate classification (germline): Pathogenic (1 of 4 stars; one submission).

Conditions:
Bethlem myopathy 1A. Also called: Bethlem Muscular Dystrophy; MYOPATHY, BENIGN CONGENITAL, WITH CONTRACTURES; Bethlem myopathy 1. Identifiers: Orphanet 610, MedGen CN029274, MONDO:0024530, OMIM 158810.

Submissions (4):

Labcorp Genetics (formerly Invitae), Labcorp
Classification: Pathogenic for Bethlem myopathy 1A. Last evaluated: 2022-10-28. Review status: criteria provided, single submitter. Criteria: Invitae Variant Classification Sherloc (09022015). Collection method: clinical testing. Allele origin: germline.
Comment: Algorithms developed to predict the effect of sequence changes on RNA splicing suggest that this variant may disrupt the consensus splice site. ClinVar contains an entry for this variant (Variation ID: 1068296). Disruption of this splice site has been observed in individuals with autosomal dominant COL6A2-related conditions (PMID: 24271325; Invitae). This variant is not present in population databases (gnomAD no frequency). This sequence change affects a donor splice site in intron 11 of the COL6A2 gene. It is expected to disrupt RNA splicing. Variants that disrupt the donor or acceptor splice site typically lead to a loss of protein function (PMID: 16199547), and loss-of-function variants in COL6A2 are known to be disease-causing for autosomal recessive COL6A2 conditions (PMID: 21280092, 20976770). However, certain variants affecting donor or acceptor splice sites in the triple helical domain of COL6A2 are expected to result in in-frame exon skipping and have been reported to cause autosomal dominant COL6A2-related conditions (PMID: 18366090). For these reasons, this variant has been classified as Pathogenic.

Dr. Peter K. Rogan Lab, Western University
No classification provided (evidence only). Condition: Ovarian serous cystadenocarcinoma. Review status: no classification provided. Collection method: in vitro. Allele origin: not applicable. Functional consequence: retained intron. Not counted in ClinVar's aggregate classification.

Dr. Peter K. Rogan Lab, Western University
No classification provided (evidence only). Condition: Ovarian serous cystadenocarcinoma. Review status: no classification provided. Collection method: in vitro. Allele origin: not applicable. Functional consequence: retained intron. Not counted in ClinVar's aggregate classification.

Dr. Peter K. Rogan Lab, Western University
No classification provided (evidence only). Condition: Ovarian serous cystadenocarcinoma. Review status: no classification provided. Collection method: in vitro. Allele origin: not applicable. Functional consequence: retained intron. Not counted in ClinVar's aggregate classification.

Literature cited by the submitters: PubMed 24271325 (cited by Labcorp Genetics (formerly Invitae), Labcorp); PubMed 16199547 (cited by Labcorp Genetics (formerly Invitae), Labcorp); PubMed 21280092 (cited by Labcorp Genetics (formerly Invitae), Labcorp); PubMed 20976770 (cited by Labcorp Genetics (formerly Invitae), Labcorp); PubMed 18366090 (cited by Labcorp Genetics (formerly Invitae), Labcorp).

NM_001849.4(COL6A2):c.1053+2T>G

Gene: COL6A2 (collagen type VI alpha 2 chain; plus strand). Cytogenetic location: 21q22.3.
Variant type: single nucleotide variant.
Coding change: c.1053+2T>G on transcript NM_001849.4 (MANE Select); the canonical splice donor site of the intron after coding-DNA position 1053, T replaced by G.
Molecular consequence: splice donor variant.
Genome position (GRCh38, 1-based): chr21:46,117,455, T>G. VCF-style: chr21-46117455-T-G. GRCh37 (hg19) VCF-style: chr21-47537369-T-G.
Other names: c.1053+2T>G (NM_058175.3, NM_058174.3).
Identifiers: ClinVar variation 1068296 (VCV001068296.10), dbSNP rs2123631474, ClinGen allele CA410527408.